The following is an entry in ClinVar:

NM_001127222.2(CACNA1A):c.4174G>T (p.Val1392Leu)

Genes: CACNA1A (calcium voltage-gated channel subunit alpha1 A; minus strand), LOC126862864 (MED14-independent group 3 enhancer GRCh37_chr19:13371552-13372751; plus strand). Cytogenetic location: 19p13.13.
Variant type: single nucleotide variant.
Coding change: c.4174G>T on transcript NM_001127222.2 (MANE Select); coding-DNA position 4174, G replaced by T.
Protein change: p.Val1392Leu; replaces valine 1392 with leucine.
Molecular consequence: missense variant.
Genome position (GRCh38, 1-based): chr19:13,261,526, C>A on the plus strand (G>T on the coding strand, the complement: CACNA1A is on the minus strand). VCF-style: chr19-13261526-C-A. GRCh37 (hg19) VCF-style: chr19-13372340-C-A.
Other names: c.4186G>T, p.Val1396Leu (NM_000068.4, NM_023035.3); c.4177G>T, p.Val1393Leu (NM_001127221.2, NM_001174080.2); short protein forms V1392L, V1393L, V1396L.
Identifiers: ClinVar variation 1285568 (VCV001285568.4), dbSNP rs794727411, ClinGen allele CA404339701.

ClinVar aggregate classification (germline): Conflicting classifications of pathogenicity. Review status: criteria provided, conflicting classifications (1 of 4 stars). 2 submissions from 2 submitters: Likely pathogenic (1); Uncertain significance (1). Last evaluated 2022-11-24.

Conditions:
Episodic ataxia type 2 (EA2). Also called: ATAXIA, EPISODIC, WITH NYSTAGMUS; ATAXIA, FAMILIAL PAROXYSMAL; CEREBELLAR ATAXIA, PAROXYSMAL, ACETAZOLAMIDE-RESPONSIVE; CEREBELLOPATHY, HEREDITARY PAROXYSMAL; EPISODIC ATAXIA, NYSTAGMUS-ASSOCIATED; ACETAZOLAMIDE-RESPONSIVE HEREDITARY PAROXYSMAL CEREBELLAR ATAXIA. Identifiers: Orphanet 97, MedGen C1720416, MONDO:0007163, OMIM 108500.
Developmental and epileptic encephalopathy, 42 (DEE42A). Also called: Epileptic encephalopathy, early infantile, 42; DEVELOPMENTAL AND EPILEPTIC ENCEPHALOPATHY 42A; EPILEPTIC ENCEPHALOPATHY, EARLY INFANTILE, 42A. Identifiers: MedGen C4310716, MONDO:0014917, OMIM 617106.

Submissions (2):

Labcorp Genetics (formerly Invitae), Labcorp
Classification: Uncertain significance for Developmental and epileptic encephalopathy, 42; Episodic ataxia type 2. Last evaluated: 2022-11-24. Review status: criteria provided, single submitter. Criteria: Invitae Variant Classification Sherloc (09022015). Collection method: clinical testing. Allele origin: germline.
Comment: This variant has not been reported in the literature in individuals affected with CACNA1A-related conditions. This sequence change replaces valine, which is neutral and non-polar, with leucine, which is neutral and non-polar, at codon 1393 of the CACNA1A protein (p.Val1393Leu). This variant is not present in population databases (gnomAD no frequency). ClinVar contains an entry for this variant (Variation ID: 1285568). Advanced modeling of protein sequence and biophysical properties (such as structural, functional, and spatial information, amino acid conservation, physicochemical variation, residue mobility, and thermodynamic stability) performed at Invitae indicates that this missense variant is expected to disrupt CACNA1A protein function. This variant disrupts the p.Val1393 amino acid residue in CACNA1A. Other variant(s) that disrupt this residue have been determined to be pathogenic (PMID: 28007337, 29056246, 29100083, 30283815, 31468518). This suggests that this residue is clinically significant, and that variants that disrupt this residue are likely to be disease-causing. In summary, the available evidence is currently insufficient to determine the role of this variant in disease. Therefore, it has been classified as a Variant of Uncertain Significance.

Institute of Human Genetics, University of Leipzig Medical Center
Classification: Likely pathogenic for Developmental and epileptic encephalopathy, 42. Last evaluated: 2020-09-09. Review status: criteria provided, single submitter. Criteria: ACMG Guidelines, 2015. Collection method: clinical testing. Allele origin: de novo. Affected: yes.
Comment: This variant was identified as de novo (maternity and paternity confirmed).

Literature cited by the submitters: PubMed 28007337 (cited by Labcorp Genetics (formerly Invitae), Labcorp); PubMed 29056246 (cited by Labcorp Genetics (formerly Invitae), Labcorp); PubMed 29100083 (cited by Labcorp Genetics (formerly Invitae), Labcorp); PubMed 30283815 (cited by Labcorp Genetics (formerly Invitae), Labcorp); PubMed 31468518 (cited by Labcorp Genetics (formerly Invitae), Labcorp).